The following is an entry in ClinVar:

ClinVar aggregate classification (germline): Pathogenic. Review status: criteria provided, multiple submitters, no conflicts (2 of 4 stars). 2 submissions from 2 submitters: Pathogenic (2). Last evaluated 2024-07-15.

Conditions:
X-linked Emery-Dreifuss muscular dystrophy. Also called: Muscular dystrophy, tardive Emery-Dreifuss type, with contractures. Identifiers: Orphanet 261, Orphanet 98863, MedGen C0751337, MONDO:0010680.

Submissions (2):

Labcorp Genetics (formerly Invitae), Labcorp
Classification: Pathogenic for X-linked Emery-Dreifuss muscular dystrophy. Last evaluated: 2024-07-15. Review status: criteria provided, single submitter. Criteria: Invitae Variant Classification Sherloc (09022015). Collection method: clinical testing. Allele origin: germline.
Comment: This sequence change affects a donor splice site in intron 2 of the EMD gene. It is expected to disrupt RNA splicing. Variants that disrupt the donor or acceptor splice site typically lead to a loss of protein function (PMID: 16199547), and loss-of-function variants in EMD are known to be pathogenic (PMID: 24365856). This variant is not present in population databases (gnomAD no frequency). Disruption of this splice site has been observed in individuals with Emery-Dreifuss muscular dystrophy (PMID: 10382909, 19997654). This variant is also known as 421G>A. ClinVar contains an entry for this variant (Variation ID: 1330855). Algorithms developed to predict the effect of sequence changes on RNA splicing suggest that this variant may disrupt the consensus splice site. For these reasons, this variant has been classified as Pathogenic.

ARUP Laboratories, Molecular Genetics and Genomics, ARUP Laboratories
Classification: Pathogenic for Emery-Dreifuss muscular dystrophy 1, X-linked. Last evaluated: 2021-09-28. Review status: criteria provided, single submitter. Criteria: ARUP Molecular Germline Variant Investigation Process 2021. Collection method: clinical testing. Allele origin: germline.
Comment: The EMD c.187+1G>A variant is reported in the literature in multiple patients affected with Emery-Dreifuss muscular dystrophy (Deymeer 1993, Yates 1999, Steckiewicz 2016). This variant is absent from the Genome Aggregation Database, indicating it is not a common polymorphism. This variant disrupts the canonical splice donor site of intron 2, which is likely to negatively impact gene function. Additionally, a different variant at this splice donor site (c.187+1G>T) has been reported as pathogenic in ClinVar (variation ID: 201772). Based on available information, this variant is considered to be pathogenic. References: Deymeer F et al. Emery-Dreifuss muscular dystrophy with unusual features. Muscle Nerve. 1993 Dec;16(12):1359-65. PMID: 8232393 Yates JR et al. Genotype-phenotype analysis in X-linked Emery-Dreifuss muscular dystrophy and identification of a missense mutation associated with a milder phenotype Neuromuscul Disord. 1999 May;9(3):159-65. PMID: 10382909 Steckiewicz R et al. Cardiac pacing in 21 patients with Emery-Dreifuss muscular dystrophy: a single-centre study with a 39-year follow-up. Kardiol Pol. 2016;74(6):576-83. PMID: 26575312

Literature cited by the submitters: PubMed 16199547 (cited by Labcorp Genetics (formerly Invitae), Labcorp); PubMed 24365856 (cited by Labcorp Genetics (formerly Invitae), Labcorp); PubMed 10382909 (cited by Labcorp Genetics (formerly Invitae), Labcorp); PubMed 19997654 (cited by Labcorp Genetics (formerly Invitae), Labcorp).

NM_000117.3(EMD):c.187+1G>A

Gene: EMD (emerin; plus strand). Cytogenetic location: Xq28.
Variant type: single nucleotide variant.
Coding change: c.187+1G>A on transcript NM_000117.3 (MANE Select); the canonical splice donor site of the intron after coding-DNA position 187, G replaced by A.
Molecular consequence: splice donor variant.
Genome position (GRCh38, 1-based): chrX:154,379,795, G>A. VCF-style: chrX-154379795-G-A. GRCh37 (hg19) VCF-style: chrX-153608155-G-A.
Identifiers: ClinVar variation 1330855 (VCV001330855.14), dbSNP rs794729010, ClinGen allele CA415257572.